The following is an entry in ClinVar:

NM_001035.3(RYR2):c.11002A>G (p.Ile3668Val)

Gene: RYR2 (ryanodine receptor 2; plus strand). Cytogenetic location: 1q43.
Variant type: single nucleotide variant.
Coding change: c.11002A>G on transcript NM_001035.3 (MANE Select); coding-DNA position 11002, A replaced by G.
Protein change: p.Ile3668Val; replaces isoleucine 3668 with valine.
Molecular consequence: missense variant.
Genome position (GRCh38, 1-based): chr1:237,732,112, A>G. VCF-style: chr1-237732112-A-G. GRCh37 (hg19) VCF-style: chr1-237895412-A-G.
Other names: c.11002A>G, p.Ile3668Val (LRG_402t1); short protein forms I3668V.
Identifiers: ClinVar variation 629463 (VCV000629463.4), dbSNP rs1558307580, ClinGen allele CA345419049.

ClinVar aggregate classification (germline): Uncertain significance (1 of 4 stars; one submission).

Conditions:
Cardiomyopathy (CMYO). Also called: Cardiomyopathies. Identifiers: Orphanet 167848, MedGen C0878544, MONDO:0004994, HP:0001638. Inheritance: Various modes of inheritance.

Allele frequency attached by ClinVar (database versions not stated): gnomAD exomes below 0.00001.
gnomAD v4.1: 2 of 1,611,616 alleles (0.00012%); highest among the groups gnomAD compares: South Asian, 0.0011%; no homozygotes.

Submission:

Color Diagnostics, LLC DBA Color Health
Classification: Uncertain significance for Cardiomyopathy. Last evaluated: 2023-12-05. Review status: criteria provided, single submitter. Criteria: ACMG Guidelines, 2015. Collection method: clinical testing. Allele origin: germline.
Comment: Variant of Uncertain Significance due to insufficient evidence: This missense variant is located in the cytoplasmic domain of the RYR2 protein. Computational prediction tools and conservation analyses suggest that this variant may have deleterious impact on the protein function. Computational splicing tools suggest that this variant may not impact RNA splicing. To our knowledge, functional assays have not been performed for this variant nor has this variant been reported in individuals affected with cardiovascular disorders in the literature. This variant is rare in the general population and has been identified in 0/277264 chromosomes by the Genome Aggregation Database (gnomAD). Available evidence is insufficient to determine the pathogenicity of this variant conclusively.